The following is an entry in ClinVar:

ClinVar aggregate classification (germline): Pathogenic (1 of 4 stars; one submission).

Submission:

Athena Diagnostics
Classification: Pathogenic. Last evaluated: 2024-03-27. Review status: criteria provided, single submitter. Criteria: Athena Diagnostics Criteria. Collection method: clinical testing. Allele origin: unknown.
Comment: This variant appears to occur de novo in multiple individuals with Dravet syndrome. Multiple affected individuals have been reported with missense changes at this codon, suggesting this variant also causes disease. This variant has not been reported in large, multi-ethnic general populations. Computational tools predict that this variant is damaging.

Literature cited by the submitters: PubMed 31864146; PubMed 34379890; PubMed 22848613.

NM_001165963.4(SCN1A):c.3641T>G (p.Ile1214Arg)

Genes: SCN1A (sodium voltage-gated channel alpha subunit 1; minus strand), LOC102724058 (uncharacterized LOC102724058; plus strand). Cytogenetic location: 2q24.3.
Variant type: single nucleotide variant.
Coding change: c.3641T>G on transcript NM_001165963.4 (MANE Select); coding-DNA position 3641, T replaced by G.
Protein change: p.Ile1214Arg; replaces isoleucine 1214 with arginine.
Molecular consequence: missense variant. On other transcripts: non-coding transcript variant (1).
Genome position (GRCh38, 1-based): chr2:166,013,808, A>C on the plus strand (T>G on the coding strand, the complement: SCN1A is on the minus strand). VCF-style: chr2-166013808-A-C. GRCh37 (hg19) VCF-style: chr2-166870318-A-C.
Other names: c.3557T>G, p.Ile1186Arg (NM_001165964.3, NM_001353957.2, NM_001353958.2); c.3641T>G, p.Ile1214Arg (NM_001202435.3, NM_001353948.2); c.3608T>G, p.Ile1203Arg (NM_001353949.2, NM_001353950.2, NM_001353951.2 and 2 more transcripts); c.3605T>G, p.Ile1202Arg (NM_001353954.2, NM_001353955.2); c.3554T>G, p.Ile1185Arg (NM_001353960.2); c.1199T>G, p.Ile400Arg (NM_001353961.2); short protein forms I1185R, I1186R, I1203R, I1214R, I400R, I1202R.
Identifiers: ClinVar variation 3571608 (VCV003571608.1).